The following is an entry in ClinVar:

NM_020975.6(RET):c.2039C>T (p.Ala680Val)

Gene: RET (ret proto-oncogene; plus strand). Cytogenetic location: 10q11.21.
Variant type: single nucleotide variant.
Coding change: c.2039C>T on transcript NM_020975.6 (MANE Select); coding-DNA position 2039, C replaced by T.
Protein change: p.Ala680Val; replaces alanine 680 with valine.
Molecular consequence: missense variant.
Genome position (GRCh38, 1-based): chr10:43,114,639, C>T. VCF-style: chr10-43114639-C-T. GRCh37 (hg19) VCF-style: chr10-43610087-C-T.
Other names: c.1022C>T, p.Ala341Val (NM_001406785.1); c.1013C>T, p.Ala338Val (NM_001406786.1, NM_001406783.1); c.1007C>T, p.Ala336Val (NM_001406787.1); c.854C>T, p.Ala285Val (NM_001406790.1, NM_001406788.1, NM_001406789.1); c.734C>T, p.Ala245Val (NM_001406791.1); c.590C>T, p.Ala197Val (NM_001406792.1, NM_001406793.1, NM_001406794.1); c.2039C>T, p.Ala680Val (NM_020629.2, NM_020630.7, NM_000323.2 and 4 more transcripts); c.1142C>T, p.Ala381Val (NM_001406782.1, NM_001406780.1, NM_001406781.1 and 1 more transcripts); and 10 more; short protein forms A426V, A680V, A338V, A341V, A438V, A548V, A584V, A381V.
Identifiers: ClinVar variation 1019429 (VCV001019429.11), dbSNP rs1838027230, ClinGen allele CA376553189.

ClinVar aggregate classification (germline): Uncertain significance. Review status: criteria provided, multiple submitters, no conflicts (2 of 4 stars). 3 submissions from 3 submitters: Uncertain significance (3). Last evaluated 2025-07-09.

Conditions:
Hereditary cancer-predisposing syndrome. Also called: Tumor predisposition; Neoplastic Syndromes, Hereditary; Hereditary neoplastic syndrome; Hereditary Cancer Syndrome. Identifiers: Orphanet 140162, MedGen C0027672, MeSH D009386, MONDO:0015356.
Multiple endocrine neoplasia, type 2 (MEN2). Identifiers: Orphanet 653, MedGen C4048306, MONDO:0019003. Disease mechanism: gain of function.

Submissions (3):

Ambry Genetics
Classification: Uncertain significance for Hereditary cancer-predisposing syndrome. Last evaluated: 2025-07-09. Review status: criteria provided, single submitter. Criteria: Ambry Variant Classification Scheme 2023. Collection method: clinical testing. Allele origin: germline.
Comment: The p.A680V variant (also known as c.2039C>T), located in coding exon 11 of the RET gene, results from a C to T substitution at nucleotide position 2039. The alanine at codon 680 is replaced by valine, an amino acid with similar properties. This amino acid position is well conserved in available vertebrate species. In addition, this alteration is predicted to be tolerated by in silico analysis. Based on the available evidence, the clinical significance of this variant remains unclear.

Labcorp Genetics (formerly Invitae), Labcorp
Classification: Uncertain significance for Multiple endocrine neoplasia, type 2. Last evaluated: 2025-07-03. Review status: criteria provided, single submitter. Criteria: Invitae Variant Classification Sherloc (09022015). Collection method: clinical testing. Allele origin: germline.
Comment: This sequence change replaces alanine, which is neutral and non-polar, with valine, which is neutral and non-polar, at codon 680 of the RET protein (p.Ala680Val). This variant is not present in population databases (gnomAD no frequency). This variant has not been reported in the literature in individuals affected with RET-related conditions. ClinVar contains an entry for this variant (Variation ID: 1019429). An algorithm developed to predict the effect of missense changes on protein structure and function (PolyPhen-2) suggests that this variant is likely to be tolerated. In summary, the available evidence is currently insufficient to determine the role of this variant in disease. Therefore, it has been classified as a Variant of Uncertain Significance.

GeneDx
Classification: Uncertain significance. Last evaluated: 2024-07-02. Review status: criteria provided, single submitter. Criteria: GeneDx Variant Classification Process June 2021. Collection method: clinical testing. Allele origin: germline. Affected: yes.
Comment: Not observed at significant frequency in large population cohorts (gnomAD); In silico analysis indicates that this missense variant does not alter protein structure/function; Has not been previously published as pathogenic or benign to our knowledge; This variant is associated with the following publications: (PMID: 14633923)